The following is an entry in ClinVar:

ClinVar aggregate classification (germline): Uncertain significance. Review status: criteria provided, multiple submitters, no conflicts (2 of 4 stars). 2 submissions from 2 submitters: Uncertain significance (2). Last evaluated 2024-12-06.

Conditions:
Hereditary pancreatitis (PCTT). Also called: Hereditary chronic pancreatitis; PRSS1-Related Hereditary Pancreatitis. Identifiers: Orphanet 676, MedGen C0238339, MONDO:0008185, OMIM 167800.

Allele frequency attached by ClinVar (database versions not stated): gnomAD exomes 0.00001.
gnomAD v4.1: 14 of 1,614,188 alleles (0.00087%); highest among the groups gnomAD compares: Non-Finnish European, 0.0012%; no homozygotes.

Submissions (2):

Ambry Genetics
Classification: Uncertain significance for Hereditary pancreatitis. Last evaluated: 2024-12-06. Review status: criteria provided, single submitter. Criteria: Ambry Variant Classification Scheme 2023. Collection method: clinical testing. Allele origin: germline.
Comment: The p.D295G variant (also known as c.884A>G), located in coding exon 8 of the CPA1 gene, results from an A to G substitution at nucleotide position 884. The aspartic acid at codon 295 is replaced by glycine, an amino acid with similar properties. This amino acid position is conserved. In addition, this alteration is predicted to be tolerated by in silico analysis. Based on the available evidence, the clinical significance of this variant remains unclear.

Labcorp Genetics (formerly Invitae), Labcorp
Classification: Uncertain significance. Last evaluated: 2022-06-08. Review status: criteria provided, single submitter. Criteria: Invitae Variant Classification Sherloc (09022015). Collection method: clinical testing. Allele origin: germline.
Comment: In summary, the available evidence is currently insufficient to determine the role of this variant in disease. Therefore, it has been classified as a Variant of Uncertain Significance. Algorithms developed to predict the effect of missense changes on protein structure and function output the following: SIFT: "Tolerated"; PolyPhen-2: "Benign"; Align-GVGD: "Class C0". The glycine amino acid residue is found in multiple mammalian species, which suggests that this missense change does not adversely affect protein function. This variant has not been reported in the literature in individuals affected with CPA1-related conditions. This variant is not present in population databases (gnomAD no frequency). This sequence change replaces aspartic acid, which is acidic and polar, with glycine, which is neutral and non-polar, at codon 295 of the CPA1 protein (p.Asp295Gly).

NM_001868.4(CPA1):c.884A>G (p.Asp295Gly)

Gene: CPA1 (carboxypeptidase A1; plus strand). Cytogenetic location: 7q32.2.
Variant type: single nucleotide variant.
Coding change: c.884A>G on transcript NM_001868.4 (MANE Select); coding-DNA position 884, A replaced by G.
Protein change: p.Asp295Gly; replaces aspartic acid 295 with glycine.
Molecular consequence: missense variant.
Genome position (GRCh38, 1-based): chr7:130,385,242, A>G. VCF-style: chr7-130385242-A-G. GRCh37 (hg19) VCF-style: chr7-130025083-A-G.
Other names: c.884A>G (NM_001868.2); short protein forms D295G.
Identifiers: ClinVar variation 1919016 (VCV001919016.6), dbSNP rs2536012216, ClinGen allele CA369283588.